The following is an entry in ClinVar:

NM_007373.4(SHOC2):c.484C>A (p.Pro162Thr)

Gene: SHOC2 (SHOC2 leucine rich repeat scaffold protein; plus strand). Cytogenetic location: 10q25.2.
Variant type: single nucleotide variant.
Coding change: c.484C>A on transcript NM_007373.4 (MANE Select); coding-DNA position 484, C replaced by A.
Protein change: p.Pro162Thr; replaces proline 162 with threonine.
Molecular consequence: missense variant. On other transcripts: 5 prime UTR variant (1), non-coding transcript variant (1), intron variant (3).
Genome position (GRCh38, 1-based): chr10:110,964,842, C>A. VCF-style: chr10-110964842-C-A. GRCh37 (hg19) VCF-style: chr10-112724600-C-A.
Other names: c.484C>A, p.Pro162Thr (NM_001269039.3, NM_001324336.2, NM_001324337.2 and 4 more transcripts); c.-303C>A (NM_001441188.1); c.-380-20786C>A (NM_001441190.1); c.-249-20786C>A (NM_001441191.1); c.-242-35573C>A (NM_001441189.1); short protein forms P162T.
Identifiers: ClinVar variation 5008869 (VCV005008869.1).
Genomic context (GRCh38, chr10:110,964,842, plus strand): 5'-GTGGGATGTTTAGTAAATCTCATGACACTGGCTCTAAGTGAAAATTCACTTACCAGTTTG[C>A]CTGACTCTCTTGATAACTTGAAGAAGCTGCGGATGCTTGATTTACGGCATAATAAACTGA-3'
Protein context (NP_031399.2, residues 152-172): ALSENSLTSL[Pro162Thr]DSLDNLKKLR

ClinVar aggregate classification (germline): Uncertain significance (1 of 4 stars; one submission).

Submission:

GeneDx
Classification: Uncertain significance. Last evaluated: 2026-03-12. Review status: criteria provided, single submitter. Criteria: GeneDx Variant Classification Process June 2021. Collection method: clinical testing. Allele origin: germline.
Comment: Not observed at significant frequency in large population cohorts (gnomAD); In silico analysis supports that this missense variant has a deleterious effect on protein structure/function; Has not been previously published as pathogenic or benign to our knowledge; This variant is associated with the following publications: (PMID: 29493581)